The following is an entry in ClinVar:

ClinVar aggregate classification (germline): Uncertain significance (1 of 4 stars; one submission).

Conditions:
Hereditary cancer-predisposing syndrome. Also called: Neoplastic Syndromes, Hereditary; Tumor predisposition; Hereditary neoplastic syndrome; Hereditary Cancer Syndrome. Identifiers: Orphanet 140162, MedGen C0027672, MeSH D009386, MONDO:0015356.

gnomAD v4.1: 1 of 1,613,968 alleles (0.000062%); highest among the groups gnomAD compares: Non-Finnish European, 0.000085%; no homozygotes.

Submission:

Ambry Genetics
Classification: Uncertain significance for Hereditary cancer-predisposing syndrome. Last evaluated: 2026-07-06. Review status: criteria provided, single submitter. Criteria: Ambry Variant Classification Scheme 2023. Collection method: clinical testing. Allele origin: germline.
Comment: The p.V334A variant (also known as c.1001T>C), located in coding exon 4 of the BLM gene, results from a T to C substitution at nucleotide position 1001. The valine at codon 334 is replaced by alanine, an amino acid with similar properties. This amino acid position is conserved. In addition, this alteration is predicted to be tolerated by in silico analysis. Based on the available evidence, the clinical significance of this variant remains unclear.

NM_000057.4(BLM):c.1001T>C (p.Val334Ala)

Gene: BLM (BLM RecQ like helicase; plus strand). Cytogenetic location: 15q26.1.
Variant type: single nucleotide variant.
Coding change: c.1001T>C on transcript NM_000057.4 (MANE Select); coding-DNA position 1001, T replaced by C.
Protein change: p.Val334Ala; replaces valine 334 with alanine.
Molecular consequence: missense variant. On other transcripts: 5 prime UTR variant (1).
Genome position (GRCh38, 1-based): chr15:90,754,852, T>C. VCF-style: chr15-90754852-T-C. GRCh37 (hg19) VCF-style: chr15-91298082-T-C.
Other names: c.1001T>C, p.Val334Ala (NM_001287246.2, NM_001287247.2); c.-291T>C (NM_001287248.2); short protein forms V334A.
Identifiers: ClinVar variation 5032889 (VCV005032889.1).